The following is an entry in ClinVar:

NM_004565.3(PEX14):c.303C>T (p.Pro101=)

Gene: PEX14 (peroxisomal biogenesis factor 14; plus strand). Cytogenetic location: 1p36.22.
Variant type: single nucleotide variant.
Coding change: c.303C>T on transcript NM_004565.3 (MANE Select); coding-DNA position 303, C replaced by T.
Protein change: p.Pro101=; no amino-acid change (proline 101 retained).
Molecular consequence: synonymous variant.
Genome position (GRCh38, 1-based): chr1:10,618,336, C>T. VCF-style: chr1-10618336-C-T. GRCh37 (hg19) VCF-style: chr1-10678393-C-T.
Other names: c.303C>T (NM_004565.2).
Identifiers: ClinVar variation 596112 (VCV000596112.16), dbSNP rs199552789, ClinGen allele CA583795.

ClinVar aggregate classification (germline): Conflicting classifications of pathogenicity. Review status: criteria provided, conflicting classifications (1 of 4 stars). 4 submissions from 4 submitters: Uncertain significance (1); Likely benign (2). 1 of the submissions does not count toward it. Last evaluated 2026-02-04.

Conditions:
PEX14-related disorder. Also called: PEX14-related condition.
Peroxisome biogenesis disorder, complementation group K (CGK). Identifiers: MedGen C1866257, MONDO:0800365.

Allele frequency attached by ClinVar (database versions not stated): gnomAD exomes 0.00001 and 0.00003; ExAC 0.00002; gnomAD 0.00013 and 0.00014; TOPMed 0.00024; 1000 Genomes Project 30x 0.00031; 1000 Genomes Project 0.00040.
gnomAD v4.1: 44 of 1,613,762 alleles (0.0027%); highest among the groups gnomAD compares: African/African-American, 0.029%; no homozygotes.

Submissions (4):

Labcorp Genetics (formerly Invitae), Labcorp
Classification: Likely benign for Peroxisome biogenesis disorder, complementation group K. Last evaluated: 2026-02-04. Review status: criteria provided, single submitter. Criteria: Invitae Variant Classification Sherloc (09022015). Collection method: clinical testing. Allele origin: germline.

Blueprint Genetics
Classification: Likely benign. Last evaluated: 2024-02-21. Review status: criteria provided, single submitter. Criteria: ACMG Guidelines, 2015. Collection method: clinical testing. Allele origin: germline.

Eurofins Ntd Llc (ga)
Classification: Uncertain significance. Last evaluated: 2018-02-10. Review status: criteria provided, single submitter. Criteria: EGL ClinVar v180209 classification definitions. Collection method: clinical testing. Allele origin: germline. Observed: 1 variant allele, 1 heterozygote.

PreventionGenetics, part of Exact Sciences
Classification: Likely benign for PEX14-related condition. Last evaluated: 2019-04-11. Review status: no assertion criteria provided. Collection method: clinical testing. Allele origin: germline. Not counted in ClinVar's aggregate classification.
Comment: This variant is classified as likely benign based on ACMG/AMP sequence variant interpretation guidelines (Richards et al. 2015 PMID: 25741868, with internal and published modifications).